The following is an entry in ClinVar:

NM_000179.3(MSH6):c.3723T>C (p.Cys1241=)

Gene: MSH6 (mutS homolog 6; plus strand). Cytogenetic location: 2p16.3.
Variant type: single nucleotide variant.
Coding change: c.3723T>C on transcript NM_000179.3 (MANE Select); coding-DNA position 3723, T replaced by C.
Protein change: p.Cys1241=; no amino-acid change (cysteine 1241 retained).
Molecular consequence: synonymous variant.
Genome position (GRCh38, 1-based): chr2:47,806,280, T>C. VCF-style: chr2-47806280-T-C. GRCh37 (hg19) VCF-style: chr2-48033419-T-C.
Other names: c.3333T>C, p.Cys1111= (NM_001281492.2); c.2817T>C, p.Cys939= (NM_001281493.2, NM_001281494.2).
Identifiers: ClinVar variation 631405 (VCV000631405.14), dbSNP rs1558392158, ClinGen allele CA425998026.
Genomic context (GRCh38, chr2:47,806,280, plus strand): 5'-ATTTGATGGGACGGCAATAGCAAATGCAGTTGTTAAAGAACTTGCTGAGACTATAAAATG[T>C]CGTACATTATTTTCAACTCACTACCATTCATTAGTAGAAGATTATTCTCAAAATGTTGCT-3'
Protein context (NP_000170.1, residues 1231-1251): VVKELAETIK[Cys1241=]RTLFSTHYHS

ClinVar aggregate classification (germline): Benign/Likely benign. Review status: criteria provided, multiple submitters, no conflicts (2 of 4 stars). 4 submissions from 4 submitters: Benign (1); Likely benign (3). Last evaluated 2025-10-10.

Conditions:
Hereditary nonpolyposis colorectal neoplasms. Identifiers: MedGen C0009405, MeSH D003123.
Hereditary cancer-predisposing syndrome. Also called: Tumor predisposition; Neoplastic Syndromes, Hereditary; Hereditary neoplastic syndrome; Hereditary Cancer Syndrome. Identifiers: Orphanet 140162, MedGen C0027672, MeSH D009386, MONDO:0015356.
Lynch syndrome 5 (LYNCH5). Also called: Hereditary non-polyposis colorectal cancer, type 5; Colorectal cancer, hereditary nonpolyposis, type 5. Identifiers: Orphanet 144, MedGen C1833477, MONDO:0013710, OMIM 614350. Disease mechanism: loss of function.

Allele frequency attached by ClinVar (database versions not stated): gnomAD exomes below 0.00001; TOPMed below 0.00001.
gnomAD v4.1: 1 of 1,614,080 alleles (0.000062%); highest among the groups gnomAD compares: South Asian, 0.0011%; no homozygotes.

Submissions (4):

Labcorp Genetics (formerly Invitae), Labcorp
Classification: Likely benign for Hereditary nonpolyposis colorectal neoplasms. Last evaluated: 2025-10-10. Review status: criteria provided, single submitter. Criteria: Invitae Variant Classification Sherloc (09022015). Collection method: clinical testing. Allele origin: germline.

Myriad Genetics, Inc.
Classification: Benign for Lynch syndrome 5. Last evaluated: 2025-01-08. Review status: criteria provided, single submitter. Criteria: Myriad Autosomal Dominant, Autosomal Recessive and X-Linked Classification Criteria (2023). Collection method: clinical testing. Allele origin: unknown.
Comment: This variant is considered benign. This variant is a silent/synonymous amino acid change and it is not expected to impact splicing.

Color Diagnostics, LLC DBA Color Health
Classification: Likely benign for Hereditary cancer-predisposing syndrome. Last evaluated: 2018-03-06. Review status: criteria provided, single submitter. Criteria: ACMG Guidelines, 2015. Collection method: clinical testing. Allele origin: germline.

Ambry Genetics
Classification: Likely benign for Hereditary cancer-predisposing syndrome. Last evaluated: 2015-12-11. Review status: criteria provided, single submitter. Criteria: Ambry Variant Classification Scheme 2023. Collection method: clinical testing. Allele origin: germline.